The following is an entry in ClinVar:

ClinVar aggregate classification (germline): Uncertain significance (1 of 4 stars; one submission).

gnomAD v4.1: 1 of 1,611,352 alleles (0.000062%); highest among the groups gnomAD compares: African/African-American, 0.0013%; no homozygotes.

Submission:

Labcorp Genetics (formerly Invitae), Labcorp
Classification: Uncertain significance. Last evaluated: 2024-02-22. Review status: criteria provided, single submitter. Criteria: Invitae Variant Classification Sherloc (09022015). Collection method: clinical testing. Allele origin: germline.
Comment: This sequence change replaces histidine, which is basic and polar, with tyrosine, which is neutral and polar, at codon 922 of the AUTS2 protein (p.His922Tyr). This variant is present in population databases (no rsID available, gnomAD 0.01%). This variant has not been reported in the literature in individuals affected with AUTS2-related conditions. Advanced modeling of protein sequence and biophysical properties (such as structural, functional, and spatial information, amino acid conservation, physicochemical variation, residue mobility, and thermodynamic stability) performed at Invitae indicates that this missense variant is not expected to disrupt AUTS2 protein function with a negative predictive value of 80%. In summary, the available evidence is currently insufficient to determine the role of this variant in disease. Therefore, it has been classified as a Variant of Uncertain Significance.

NM_015570.4(AUTS2):c.2764C>T (p.His922Tyr)

Gene: AUTS2 (activator of transcription and developmental regulator AUTS2; plus strand). Cytogenetic location: 7q11.22.
Variant type: single nucleotide variant.
Coding change: c.2764C>T on transcript NM_015570.4 (MANE Select); coding-DNA position 2764, C replaced by T.
Protein change: p.His922Tyr; replaces histidine 922 with tyrosine.
Molecular consequence: missense variant.
Genome position (GRCh38, 1-based): chr7:70,789,980, C>T. VCF-style: chr7-70789980-C-T. GRCh37 (hg19) VCF-style: chr7-70254966-C-T.
Other names: c.2692C>T, p.His898Tyr (NM_001127231.3); short protein forms H898Y, H922Y.
Identifiers: ClinVar variation 3642421 (VCV003642421.2).